The following is an entry in ClinVar:

ClinVar aggregate classification (germline): Uncertain significance (1 of 4 stars; one submission).

Conditions:
Joubert syndrome. Also called: CEREBELLOPARENCHYMAL DISORDER IV; JOUBERT-BOLTSHAUSER SYNDROME; Familial aplasia of the vermis. Identifiers: Orphanet 475, MedGen C5979921, MONDO:0018772.
Meckel-Gruber syndrome. Also called: DYSENCEPHALIA SPLANCHNOCYSTICA; GRUBER SYNDROME; Dysencephalia splachnocystica. Identifiers: Orphanet 564, MedGen C0265215, MONDO:0018921.

gnomAD v4.1: 1 of 1,614,028 alleles (0.000062%); highest among the groups gnomAD compares: Non-Finnish European, 0.000085%; no homozygotes.

Submission:

Labcorp Genetics (formerly Invitae), Labcorp
Classification: Uncertain significance for Joubert syndrome; Meckel-Gruber syndrome. Last evaluated: 2025-09-02. Review status: criteria provided, single submitter. Criteria: Invitae Variant Classification Sherloc (09022015). Collection method: clinical testing. Allele origin: germline.
Comment: This sequence change replaces tryptophan, which is neutral and slightly polar, with cysteine, which is neutral and slightly polar, at codon 732 of the RPGRIP1L protein (p.Trp732Cys). This variant is not present in population databases (gnomAD no frequency). This variant has not been reported in the literature in individuals affected with RPGRIP1L-related conditions. ClinVar contains an entry for this variant (Variation ID: 1389619). Invitae Evidence Modeling of protein sequence and biophysical properties (such as structural, functional, and spatial information, amino acid conservation, physicochemical variation, residue mobility, and thermodynamic stability) has been performed for this missense variant. However, the output from this modeling did not meet the statistical confidence thresholds required to predict the impact of this variant on RPGRIP1L protein function. In summary, the available evidence is currently insufficient to determine the role of this variant in disease. Therefore, it has been classified as a Variant of Uncertain Significance.

NM_015272.5(RPGRIP1L):c.2196G>C (p.Trp732Cys)

Gene: RPGRIP1L (RPGRIP1 like; minus strand). Cytogenetic location: 16q12.2.
Variant type: single nucleotide variant.
Coding change: c.2196G>C on transcript NM_015272.5 (MANE Select); coding-DNA position 2196, G replaced by C.
Protein change: p.Trp732Cys; replaces tryptophan 732 with cysteine.
Molecular consequence: missense variant.
Genome position (GRCh38, 1-based): chr16:53,649,072, C>G on the plus strand (G>C on the coding strand, the complement: RPGRIP1L is on the minus strand). VCF-style: chr16-53649072-C-G. GRCh37 (hg19) VCF-style: chr16-53682984-C-G.
Other names: c.2196G>C, p.Trp732Cys (NM_001127897.4, NM_001308334.3, NM_001330538.2); short protein forms W732C.
Identifiers: ClinVar variation 1389619 (VCV001389619.6), dbSNP rs2151102358, ClinGen allele CA395915773.